The following is an entry in ClinVar:

NM_000093.5(COL5A1):c.3218T>G (p.Leu1073Arg)

Gene: COL5A1 (collagen type V alpha 1 chain; plus strand). Cytogenetic location: 9q34.3.
Variant type: single nucleotide variant.
Coding change: c.3218T>G on transcript NM_000093.5 (MANE Select); coding-DNA position 3218, T replaced by G.
Protein change: p.Leu1073Arg; replaces leucine 1073 with arginine.
Molecular consequence: missense variant.
Genome position (GRCh38, 1-based): chr9:134,805,174, T>G. VCF-style: chr9-134805174-T-G. GRCh37 (hg19) VCF-style: chr9-137697020-T-G.
Other names: p.Leu1073Arg; c.3218T>G, p.Leu1073Arg (NM_001278074.1); short protein forms L1073R.
Identifiers: ClinVar variation 3625528 (VCV003625528.3).

ClinVar aggregate classification (germline): Uncertain significance. Review status: criteria provided, multiple submitters, no conflicts (2 of 4 stars). 2 submissions from 2 submitters: Uncertain significance (2). Last evaluated 2025-06-18.

Conditions:
Ehlers-Danlos syndrome, classic type, 1 (EDSCL1). Also called: EHLERS-DANLOS SYNDROME, GRAVIS TYPE; EHLERS-DANLOS SYNDROME, SEVERE CLASSIC TYPE; Ehlers-Danlos syndrome, type 1; Ehlers-Danlos Syndrome, Classic Type, COL5A1-Related; EDS I. Identifiers: MedGen C0268335, MONDO:0019567, OMIM 130000.

gnomAD v4.1: 1 of 1,613,988 alleles (0.000062%); highest among the groups gnomAD compares: Non-Finnish European, 0.000085%; no homozygotes.

Submissions (2):

Mayo Clinic Laboratories, Mayo Clinic
Classification: Uncertain significance. Last evaluated: 2025-06-18. Review status: criteria provided, single submitter. Criteria: ACMG Guidelines, 2015. Collection method: clinical testing. Allele origin: germline. Observed: 1 variant allele.
Comment: PP3_moderate, PM2_supporting

Labcorp Genetics (formerly Invitae), Labcorp
Classification: Uncertain significance for Ehlers-Danlos syndrome, classic type, 1. Last evaluated: 2024-12-28. Review status: criteria provided, single submitter. Criteria: Invitae Variant Classification Sherloc (09022015). Collection method: clinical testing. Allele origin: germline.
Comment: This sequence change replaces leucine, which is neutral and non-polar, with arginine, which is basic and polar, at codon 1073 of the COL5A1 protein (p.Leu1073Arg). This variant is not present in population databases (gnomAD no frequency). This variant has not been reported in the literature in individuals affected with COL5A1-related conditions. Invitae Evidence Modeling of protein sequence and biophysical properties (such as structural, functional, and spatial information, amino acid conservation, physicochemical variation, residue mobility, and thermodynamic stability) has been performed for this missense variant. However, the output from this modeling did not meet the statistical confidence thresholds required to predict the impact of this variant on COL5A1 protein function. In summary, the available evidence is currently insufficient to determine the role of this variant in disease. Therefore, it has been classified as a Variant of Uncertain Significance.